The following is an entry in ClinVar:

ClinVar aggregate classification (germline): Uncertain significance (1 of 4 stars; one submission).

Conditions:
Kabuki syndrome. Also called: Kabuki make-up syndrome; NIIKAWA-KUROKI SYNDROME. Identifiers: Orphanet 2322, MedGen C0796004, MONDO:0016512.

Allele frequency attached by ClinVar (database versions not stated): gnomAD exomes below 0.00001.

Submission:

Labcorp Genetics (formerly Invitae), Labcorp
Classification: Uncertain significance for Kabuki syndrome. Last evaluated: 2023-06-14. Review status: criteria provided, single submitter. Criteria: Invitae Variant Classification Sherloc (09022015). Collection method: clinical testing. Allele origin: germline.
Comment: Advanced modeling of protein sequence and biophysical properties (such as structural, functional, and spatial information, amino acid conservation, physicochemical variation, residue mobility, and thermodynamic stability) has been performed at Invitae for this missense variant, however the output from this modeling did not meet the statistical confidence thresholds required to predict the impact of this variant on KMT2D protein function. In summary, the available evidence is currently insufficient to determine the role of this variant in disease. Therefore, it has been classified as a Variant of Uncertain Significance. This variant is not present in population databases (gnomAD no frequency). This sequence change replaces arginine, which is basic and polar, with glutamine, which is neutral and polar, at codon 2068 of the KMT2D protein (p.Arg2068Gln). This variant has not been reported in the literature in individuals affected with KMT2D-related conditions. This missense change has been observed in at least one individual who was not affected with KMT2D-related conditions (Invitae).

NM_003482.4(KMT2D):c.6203G>A (p.Arg2068Gln)

Gene: KMT2D (lysine methyltransferase 2D; minus strand). Cytogenetic location: 12q13.12.
Variant type: single nucleotide variant.
Coding change: c.6203G>A on transcript NM_003482.4 (MANE Select); coding-DNA position 6203, G replaced by A.
Protein change: p.Arg2068Gln; replaces arginine 2068 with glutamine.
Molecular consequence: missense variant.
Genome position (GRCh38, 1-based): chr12:49,041,686, C>T on the plus strand (G>A on the coding strand, the complement: KMT2D is on the minus strand). VCF-style: chr12-49041686-C-T. GRCh37 (hg19) VCF-style: chr12-49435469-C-T.
Other names: short protein forms R2068Q.
Identifiers: ClinVar variation 2778623 (VCV002778623.3), dbSNP rs1943538990, ClinGen allele CA384625632.